The following is an entry in ClinVar:

ClinVar aggregate classification (germline): Likely benign. Review status: criteria provided, multiple submitters, no conflicts (2 of 4 stars). 3 submissions from 3 submitters: Likely benign (2). 1 of the submissions does not count toward it. Last evaluated 2026-06-01.

Conditions:
ZNF462-related disorder. Also called: ZNF462 related disease; ZNF462-related condition.

Allele frequency attached by ClinVar (database versions not stated): 1000 Genomes Project 30x 0.00078; 1000 Genomes Project 0.00080; gnomAD 0.00240; TOPMed 0.00241; ExAC 0.00251; ESP Exome Variant Server 0.00338; gnomAD exomes 0.00346.
gnomAD v4.1: 5,375 of 1,614,120 alleles (0.33%); highest among the groups gnomAD compares: Non-Finnish European, 0.41%; 14 homozygotes.

Submissions (3):

CeGaT Center for Human Genetics Tuebingen
Classification: Likely benign. Last evaluated: 2026-06-01. Review status: criteria provided, single submitter. Criteria: CeGaT Center For Human Genetics Tuebingen Variant Classification Criteria Version 2. Collection method: clinical testing. Allele origin: germline. Affected: yes. Observed: 16 variant alleles.
Comment: ZNF462: BP4, BP7, BS2

Blueprint Genetics
Classification: Likely benign. Last evaluated: 2024-11-21. Review status: criteria provided, single submitter. Criteria: ACMG Guidelines, 2015. Collection method: clinical testing. Allele origin: germline.

PreventionGenetics, part of Exact Sciences
Classification: Benign for ZNF462-related condition. Last evaluated: 2021-05-24. Review status: no assertion criteria provided. Collection method: clinical testing. Allele origin: germline. Not counted in ClinVar's aggregate classification.
Comment: This variant is classified as benign based on ACMG/AMP sequence variant interpretation guidelines (Richards et al. 2015 PMID: 25741868, with internal and published modifications).

NM_021224.6(ZNF462):c.4389C>T (p.Pro1463=)

Gene: ZNF462 (zinc finger protein 462; plus strand). Cytogenetic location: 9q31.2.
Variant type: single nucleotide variant.
Coding change: c.4389C>T on transcript NM_021224.6 (MANE Select); coding-DNA position 4389, C replaced by T.
Protein change: p.Pro1463=; no amino-acid change (proline 1463 retained).
Molecular consequence: synonymous variant. On other transcripts: intron variant (1).
Genome position (GRCh38, 1-based): chr9:106,928,301, C>T. VCF-style: chr9-106928301-C-T. GRCh37 (hg19) VCF-style: chr9-109690582-C-T.
Other names: c.3252+1137C>T (NM_001347997.2); c.4389C>T (NM_021224.5).
Identifiers: ClinVar variation 2659381 (VCV002659381.26), dbSNP rs141145292, ClinGen allele CA5171821.